The following is an entry in ClinVar:

ClinVar aggregate classification (germline): Likely pathogenic. Review status: criteria provided, multiple submitters, no conflicts (2 of 4 stars). 2 submissions from 2 submitters: Likely pathogenic (2). Last evaluated 2022-01-03.

Conditions:
Hypoparathyroidism-retardation-dysmorphism syndrome (HRDS). Also called: SANJAD-SAKATI SYNDROME. Identifiers: Orphanet 2323, MedGen C1855840, MONDO:0009426, OMIM 241410.
Encephalopathy, progressive, with amyotrophy and optic atrophy (PEAMO). Identifiers: MedGen C4310667, MONDO:0014968, OMIM 617207.
Autosomal recessive Kenny-Caffey syndrome (KCS1). Identifiers: Orphanet 2333, Orphanet 93324, MedGen C1855648, MONDO:0009486, OMIM 244460.

Submissions (2):

3billion
Classification: Likely pathogenic for Encephalopathy, progressive, with amyotrophy and optic atrophy. Last evaluated: 2022-01-03. Review status: criteria provided, single submitter. Criteria: ACMG Guidelines, 2015. Collection method: clinical testing. Allele origin: germline. Affected: yes. Observed: 1 heterozygote.
Comment: Canonical splice site: predicted to alter splicing and result in a loss or disruption of normal protein function through protein truncation. Multiple pathogenic variants are reported in the predicted truncated region (PVS1_VS). It is not observed in the gnomAD v2.1.1 dataset (PM2_M). Therefore, this variant is classified as likely pathogenic according to the recommendation of ACMG/AMP guideline.

Juno Genomics, Hangzhou Juno Genomics, Inc
Classification: Likely pathogenic for Encephalopathy, progressive, with amyotrophy and optic atrophy; Hypoparathyroidism-retardation-dysmorphism syndrome; Autosomal recessive Kenny-Caffey syndrome. Review status: criteria provided, single submitter. Criteria: ACMG Guidelines, 2015. Collection method: clinical testing. Allele origin: germline.
Comment: Absent from controls (or at extremely low frequency if recessive) in Genome Aggregation Database.;Null variant in a gene where loss of function (LOF) is a known mechanism of disease.

NM_003193.5(TBCE):c.737+1G>A

Gene: TBCE (tubulin folding cofactor E; plus strand). Cytogenetic location: 1q42.3.
Variant type: single nucleotide variant.
Coding change: c.737+1G>A on transcript NM_003193.5 (MANE Select); the canonical splice donor site of the intron after coding-DNA position 737, G replaced by A.
Molecular consequence: splice donor variant.
Genome position (GRCh38, 1-based): chr1:235,434,281, G>A. VCF-style: chr1-235434281-G-A. GRCh37 (hg19) VCF-style: chr1-235597596-G-A.
Other names: c.737+1G>A (NM_001079515.3); c.890+1G>A (NM_001287801.2); c.398+1G>A (NM_001287802.2).
Identifiers: ClinVar variation 1333237 (VCV001333237.3), dbSNP rs2102920283, ClinGen allele CA344937424.